The following is an entry in ClinVar:

ClinVar aggregate classification (germline): Likely benign. Review status: criteria provided, multiple submitters, no conflicts (2 of 4 stars). 4 submissions from 4 submitters: Likely benign (3). 1 of the submissions does not count toward it. Last evaluated 2025-10-13.

Conditions:
ALG9 congenital disorder of glycosylation (CDG1L). Also called: ALG9-CDG; CDG Il; CONGENITAL DISORDER OF GLYCOSYLATION, TYPE Il. Identifiers: Orphanet 79328, MedGen C2931006, MONDO:0012117, OMIM 608776.
ALG9-related disorder. Also called: ALG9-related condition.

Allele frequency attached by ClinVar (database versions not stated): ExAC 0.00002; gnomAD exomes 0.00002 and 0.00006; TOPMed 0.00004; gnomAD 0.00005 and 0.00006; ESP Exome Variant Server 0.00008.
gnomAD v4.1: 97 of 1,613,956 alleles (0.006%); highest among the groups gnomAD compares: Non-Finnish European, 0.0081%; no homozygotes.

Submissions (4):

Labcorp Genetics (formerly Invitae), Labcorp
Classification: Likely benign for ALG9 congenital disorder of glycosylation. Last evaluated: 2025-10-13. Review status: criteria provided, single submitter. Criteria: Invitae Variant Classification Sherloc (09022015). Collection method: clinical testing. Allele origin: germline.

Laboratory of Genetics, Children's Clinical University Hospital Latvia
Classification: Likely benign. Last evaluated: 2025-02-16. Review status: criteria provided, single submitter. Criteria: ACMG Guidelines, 2015. Collection method: clinical testing. Allele origin: germline. Affected: yes.

GeneDx
Classification: Likely benign. Last evaluated: 2020-03-16. Review status: criteria provided, single submitter. Criteria: GeneDx Variant Classification Process June 2021. Collection method: clinical testing. Allele origin: germline. Affected: yes.

PreventionGenetics, part of Exact Sciences
Classification: Likely benign for ALG9-related condition. Last evaluated: 2019-08-26. Review status: no assertion criteria provided. Collection method: clinical testing. Allele origin: germline. Not counted in ClinVar's aggregate classification.
Comment: This variant is classified as likely benign based on ACMG/AMP sequence variant interpretation guidelines (Richards et al. 2015 PMID: 25741868, with internal and published modifications).

NM_024740.2(ALG9):c.765G>A (p.Ser255=)

Gene: ALG9 (ALG9 alpha-1,2-mannosyltransferase; minus strand). Cytogenetic location: 11q23.1.
Variant type: single nucleotide variant.
Coding change: c.765G>A on transcript NM_024740.2 (MANE Select); coding-DNA position 765, G replaced by A.
Protein change: p.Ser255=; no amino-acid change (serine 255 retained).
Molecular consequence: synonymous variant. On other transcripts: non-coding transcript variant (1).
Genome position (GRCh38, 1-based): chr11:111,853,673, C>T on the plus strand (G>A on the coding strand, the complement: ALG9 is on the minus strand). VCF-style: chr11-111853673-C-T. GRCh37 (hg19) VCF-style: chr11-111724396-C-T.
Other names: c.765G>A, p.Ser255= (NM_001077690.1, NM_001352417.1, NM_001352418.1); c.252G>A, p.Ser84= (NM_001077691.2, NM_001077692.2, NM_001352409.1 and 11 more transcripts); c.177G>A, p.Ser59= (NM_001352422.2).
Identifiers: ClinVar variation 512394 (VCV000512394.52), dbSNP rs372338362, ClinGen allele CA6274569.